The following is an entry in ClinVar:

ClinVar aggregate classification (germline): Likely benign (1 of 4 stars; one submission).

gnomAD v4.1: 1 of 1,614,036 alleles (0.000062%); highest among the groups gnomAD compares: Non-Finnish European, 0.000085%; no homozygotes.

Submission:

Mayo Clinic Laboratories, Mayo Clinic
Classification: Likely benign. Last evaluated: 2025-03-03. Review status: criteria provided, single submitter. Criteria: ACMG Guidelines, 2015. Collection method: clinical testing. Allele origin: germline. Observed: 1 variant allele.
Comment: BP4, BP7, PM2_supporting

NM_000129.4(F13A1):c.939C>G (p.Gly313=)

Gene: F13A1 (coagulation factor XIII A chain; minus strand). Cytogenetic location: 6p25.1.
Variant type: single nucleotide variant.
Coding change: c.939C>G on transcript NM_000129.4 (MANE Select); coding-DNA position 939, C replaced by G.
Protein change: p.Gly313=; no amino-acid change (glycine 313 retained).
Molecular consequence: synonymous variant.
Genome position (GRCh38, 1-based): chr6:6,224,720, G>C on the plus strand (C>G on the coding strand, the complement: F13A1 is on the minus strand). VCF-style: chr6-6224720-G-C. GRCh37 (hg19) VCF-style: chr6-6224953-G-C.
Other names: p.Gly313=.
Identifiers: ClinVar variation 4684899 (VCV004684899.1).